The following is an entry in ClinVar:

NM_003906.5(MCM3AP):c.3468-4G>A

Gene: MCM3AP (minichromosome maintenance complex component 3 associated protein; minus strand). Cytogenetic location: 21q22.3.
Variant type: single nucleotide variant.
Coding change: c.3468-4G>A on transcript NM_003906.5 (MANE Select); 4 bases into the intron before coding-DNA position 3468, G replaced by A.
Molecular consequence: intron variant.
Genome position (GRCh38, 1-based): chr21:46,260,910, C>T on the plus strand (G>A on the coding strand, the complement: MCM3AP is on the minus strand). VCF-style: chr21-46260910-C-T. GRCh37 (hg19) VCF-style: chr21-47680824-C-T.
Other names: p.?; c.3468-4G>A (NM_003906.4).
Identifiers: ClinVar variation 1549181 (VCV001549181.11), dbSNP rs17182941, ClinGen allele CA10076483.

ClinVar aggregate classification (germline): Benign/Likely benign. Review status: criteria provided, multiple submitters, no conflicts (2 of 4 stars). 3 submissions from 3 submitters: Benign (2); Likely benign (1). Last evaluated 2026-08-10.

Conditions:
MCM3AP-related disorder. Also called: MCM3AP-related condition.

Allele frequency attached by ClinVar (database versions not stated): gnomAD exomes 0.00029 and 0.00086; ExAC 0.00101; 1000 Genomes Project 0.00300; 1000 Genomes Project 30x 0.00328; gnomAD 0.00335 and 0.00363; TOPMed 0.00370; ESP Exome Variant Server 0.00431.
gnomAD v4.1: 940 of 1,596,002 alleles (0.059%); highest among the groups gnomAD compares: African/African-American, 1.2%; 7 homozygotes.

Submissions (4):

PreventionGenetics, part of Exact Sciences
Classification: Benign for MCM3AP-related condition. Last evaluated: 2026-08-10. Review status: criteria provided, single submitter. Criteria: ACMG Guidelines, 2015. Collection method: clinical testing. Allele origin: germline.
Comment: This variant is classified as benign based on ACMG/AMP sequence variant interpretation guidelines (Richards et al. 2015 PMID: 25741868, with internal and published modifications).

Labcorp Genetics (formerly Invitae), Labcorp
Classification: Benign. Last evaluated: 2026-01-19. Review status: criteria provided, single submitter. Criteria: Invitae Variant Classification Sherloc (09022015). Collection method: clinical testing. Allele origin: germline.

Mayo Clinic Laboratories, Mayo Clinic
Classification: Likely benign. Last evaluated: 2025-03-17. Review status: criteria provided, single submitter. Criteria: ACMG Guidelines, 2015. Collection method: clinical testing. Allele origin: germline. Observed: 1 variant allele.
Comment: BS1, BP4, BP7

Dr. Peter K. Rogan Lab, Western University
No classification provided (evidence only). Condition: Sarcoma. Review status: no classification provided. Collection method: in vitro. Allele origin: not applicable. Functional consequence: retained intron. Not counted in ClinVar's aggregate classification.